The following is an entry in ClinVar:

ClinVar aggregate classification (germline): Uncertain significance. Review status: criteria provided, multiple submitters, no conflicts (2 of 4 stars). 2 submissions from 2 submitters: Uncertain significance (2). Last evaluated 2024-09-30.

Conditions:
Fanconi anemia (FA). Also called: Fanconi's anemia. Identifiers: Orphanet 84, MedGen C0015625, MeSH D005199, MONDO:0019391.
Inborn genetic diseases. Identifiers: MedGen C0950123, MeSH D030342.

Allele frequency attached by ClinVar (database versions not stated): TOPMed below 0.00001; gnomAD 0.00001; gnomAD exomes 0.00004 and 0.00006; ExAC 0.00006.

Submissions (2):

Ambry Genetics
Classification: Uncertain significance for Inborn genetic diseases. Last evaluated: 2024-09-30. Review status: criteria provided, single submitter. Criteria: Ambry Variant Classification Scheme 2023. Collection method: clinical testing. Allele origin: germline.

Labcorp Genetics (formerly Invitae), Labcorp
Classification: Uncertain significance for Fanconi anemia. Last evaluated: 2022-12-12. Review status: criteria provided, single submitter. Criteria: Invitae Variant Classification Sherloc (09022015). Collection method: clinical testing. Allele origin: germline.
Comment: In summary, the available evidence is currently insufficient to determine the role of this variant in disease. Therefore, it has been classified as a Variant of Uncertain Significance. Algorithms developed to predict the effect of missense changes on protein structure and function (SIFT, PolyPhen-2, Align-GVGD) all suggest that this variant is likely to be tolerated. ClinVar contains an entry for this variant (Variation ID: 864136). This variant has not been reported in the literature in individuals affected with SLX4-related conditions. This variant is present in population databases (rs764020001, gnomAD 0.03%). This sequence change replaces leucine, which is neutral and non-polar, with phenylalanine, which is neutral and non-polar, at codon 833 of the SLX4 protein (p.Leu833Phe).

NM_032444.4(SLX4):c.2499G>T (p.Leu833Phe)

Gene: SLX4 (SLX4 structure-specific endonuclease subunit; minus strand). Cytogenetic location: 16p13.3.
Variant type: single nucleotide variant.
Coding change: c.2499G>T on transcript NM_032444.4 (MANE Select); coding-DNA position 2499, G replaced by T.
Protein change: p.Leu833Phe; replaces leucine 833 with phenylalanine.
Molecular consequence: missense variant.
Genome position (GRCh38, 1-based): chr16:3,591,139, C>A on the plus strand (G>T on the coding strand, the complement: SLX4 is on the minus strand). VCF-style: chr16-3591139-C-A. GRCh37 (hg19) VCF-style: chr16-3641140-C-A.
Other names: short protein forms L833F.
Identifiers: ClinVar variation 864136 (VCV000864136.9), dbSNP rs764020001, ClinGen allele CA7866139.
Genomic context (GRCh38, chr16:3,591,139, plus strand): 5'-TTCTTCCATTTCTGCTTCATTCACGTTTTCTTGATCTTCTTCGTGGTCCTTGGATTTCAA[C>A]AAAGTCTCCGCTTCCTCCTCTTCATCTGCCCACATTGACCTCAAGAGTTCCTGGAAATTC-3'
Protein context (NP_115820.2, residues 823-843): WADEEEEAET[Leu833Phe]LKSKDHEEDQ